The following is an entry in ClinVar:

ClinVar aggregate classification (germline): Pathogenic. Review status: reviewed by expert panel (3 of 4 stars). 2 submissions from 2 submitters: Pathogenic (1). 1 of the submissions does not count toward it. Last evaluated 2016-10-18.

Conditions:
Breast-ovarian cancer, familial, susceptibility to, 2 (BROVCA2). Also called: BRCA2 Hereditary Breast and Ovarian Cancer. Identifiers: Orphanet 145, MedGen C2675520, MONDO:0012933, OMIM 612555. Disease mechanism: loss of function.

Submissions (2):

Evidence-based Network for the Interpretation of Germline Mutant Alleles (ENIGMA)
Classification: Pathogenic for Breast-ovarian cancer, familial, susceptibility to, 2. Last evaluated: 2016-10-18. Review status: reviewed by expert panel. Criteria: ENIGMA BRCA1/2 Classification Criteria (2015). Collection method: curation. Allele origin: germline.
Comment: Variant allele predicted to encode a truncated non-functional protein.

Consortium of Investigators of Modifiers of BRCA1/2 (CIMBA), c/o University of Cambridge
Classification: Pathogenic for Breast-ovarian cancer, familial, susceptibility to, 2. Last evaluated: 2015-10-02. Review status: criteria provided, single submitter. Criteria: CIMBA Mutation Classification guidelines May 2016. Collection method: clinical testing. Allele origin: germline. Not counted in ClinVar's aggregate classification.

NM_000059.4(BRCA2):c.9105T>G (p.Tyr3035Ter)

Gene: BRCA2 (BRCA2 DNA repair associated; plus strand). Cytogenetic location: 13q13.1.
Variant type: single nucleotide variant.
Coding change: c.9105T>G on transcript NM_000059.4 (MANE Select); coding-DNA position 9105, T replaced by G.
Protein change: p.Tyr3035Ter; replaces tyrosine 3035 with a stop codon.
Molecular consequence: nonsense.
Genome position (GRCh38, 1-based): chr13:32,379,901, T>G. VCF-style: chr13-32379901-T-G. GRCh37 (hg19) VCF-style: chr13-32954038-T-G.
Other names: 9333T>G; short protein forms Y3035*.
Identifiers: ClinVar variation 267138 (VCV000267138.7), dbSNP rs886040819, ClinGen allele CA10589546.